The following is an entry in ClinVar:

ClinVar aggregate classification (germline): Uncertain significance. Review status: criteria provided, multiple submitters, no conflicts (2 of 4 stars). 3 submissions from 3 submitters: Uncertain significance (3). Last evaluated 2025-07-22.

Conditions:
Charcot-Marie-Tooth disease. Also called: Charcot-Marie-Tooth Hereditary Neuropathy; Charcot-Marie-Tooth Neuropathy. Identifiers: Orphanet 166, MedGen C0007959, MONDO:0015626.
Charcot-Marie-Tooth disease type 4. Also called: Charcot-Marie-Tooth, Type 4; Charcot-Marie-Tooth disease, type IV. Identifiers: Orphanet 64749, MedGen C4082197, MONDO:0018995.

Allele frequency attached by ClinVar (database versions not stated): gnomAD below 0.00001 and 0.00001; gnomAD exomes 0.00003 and 0.00006; ExAC 0.00006.
gnomAD v4.1: 47 of 1,607,486 alleles (0.0029%); highest among the groups gnomAD compares: South Asian, 0.043%; no homozygotes.

Submissions (3):

GeneDx
Classification: Uncertain significance. Last evaluated: 2025-07-22. Review status: criteria provided, single submitter. Criteria: GeneDx Variant Classification Process June 2021. Collection method: clinical testing. Allele origin: germline. Affected: yes.
Comment: In silico analysis suggests that this missense variant does not alter protein structure/function; Has not been previously published as pathogenic or benign to our knowledge

Labcorp Genetics (formerly Invitae), Labcorp
Classification: Uncertain significance for Charcot-Marie-Tooth disease type 4. Last evaluated: 2022-02-24. Review status: criteria provided, single submitter. Criteria: Invitae Variant Classification Sherloc (09022015). Collection method: clinical testing. Allele origin: germline.
Comment: In summary, the available evidence is currently insufficient to determine the role of this variant in disease. Therefore, it has been classified as a Variant of Uncertain Significance. Algorithms developed to predict the effect of missense changes on protein structure and function (SIFT, PolyPhen-2, Align-GVGD) all suggest that this variant is likely to be tolerated. ClinVar contains an entry for this variant (Variation ID: 916938). This variant has not been reported in the literature in individuals affected with SBF2-related conditions. This variant is present in population databases (rs777289065, gnomAD 0.05%). This sequence change replaces phenylalanine, which is neutral and non-polar, with leucine, which is neutral and non-polar, at codon 544 of the SBF2 protein (p.Phe544Leu).

Molecular Genetics Laboratory, London Health Sciences Centre
Classification: Uncertain significance for Charcot-Marie-Tooth disease. Review status: criteria provided, single submitter. Criteria: ACMG Guidelines, 2015. Collection method: clinical testing. Allele origin: germline. Affected: yes.

NM_030962.4(SBF2):c.1632C>A (p.Phe544Leu)

Gene: SBF2 (SET binding factor 2; minus strand). Cytogenetic location: 11p15.4.
Variant type: single nucleotide variant.
Coding change: c.1632C>A on transcript NM_030962.4 (MANE Select); coding-DNA position 1632, C replaced by A.
Protein change: p.Phe544Leu; replaces phenylalanine 544 with leucine.
Molecular consequence: missense variant.
Genome position (GRCh38, 1-based): chr11:9,963,851, G>T on the plus strand (C>A on the coding strand, the complement: SBF2 is on the minus strand). VCF-style: chr11-9963851-G-T. GRCh37 (hg19) VCF-style: chr11-9985398-G-T.
Other names: c.1632C>A, p.Phe544Leu (NM_001386339.1); c.1503C>A, p.Phe501Leu (NM_001386342.1); short protein forms F544L, F501L.
Identifiers: ClinVar variation 916938 (VCV000916938.6), dbSNP rs777289065, ClinGen allele CA5881776.